The following is an entry in ClinVar:

ClinVar aggregate classification (germline): Uncertain significance (1 of 4 stars; one submission).

Conditions:
Diamond-Blackfan anemia 5 (DBA5). Also called: RPL35A-Related Diamond-Blackfan Anemia. Identifiers: Orphanet 124, MedGen C2675859, MONDO:0012925, OMIM 612528.

Submission:

Labcorp Genetics (formerly Invitae), Labcorp
Classification: Uncertain significance for Diamond-Blackfan anemia 5. Last evaluated: 2023-04-17. Review status: criteria provided, single submitter. Criteria: Invitae Variant Classification Sherloc (09022015). Collection method: clinical testing. Allele origin: unknown.
Comment: This variant results in a copy number gain of the genomic region encompassing exon(s) 2-4 of the RPL35A gene. This region includes the initiator codon of the gene. This copy number gain extends beyond the assayed region for this gene and therefore may encompass additional genes. As the precise location of this event is unknown, it may be in tandem or it may be located elsewhere in the genome. In summary, the available evidence is currently insufficient to determine the role of this variant in disease. Therefore, it has been classified as a Variant of Uncertain Significance. This variant has not been reported in the literature in individuals affected with RPL35A-related conditions.

NC_000003.11:g.(?_197677839)_(197681038_?)dup

Genes: DRC9 (dynein regulatory complex subunit 9; minus strand), RPL35A (ribosomal protein L35a; plus strand). Cytogenetic location: 3q29.
Variant type: Duplication.
Identifiers: ClinVar variation 3246902 (VCV003246902.1).